The following is an entry in ClinVar:

NM_012208.4(HARS2):c.849A>G (p.Gln283=)

Gene: HARS2 (histidyl-tRNA synthetase 2, mitochondrial; plus strand). Cytogenetic location: 5q31.3.
Variant type: single nucleotide variant.
Coding change: c.849A>G on transcript NM_012208.4 (MANE Select); coding-DNA position 849, A replaced by G.
Protein change: p.Gln283=; no amino-acid change (glutamine 283 retained).
Molecular consequence: synonymous variant.
Genome position (GRCh38, 1-based): chr5:140,696,965, A>G. VCF-style: chr5-140696965-A-G. GRCh37 (hg19) VCF-style: chr5-140076550-A-G.
Other names: c.849A>G (NM_012208.3); c.774A>G, p.Gln258= (NM_001278731.2); c.417A>G, p.Gln139= (NM_001278732.2); c.867A>G, p.Gln289= (NM_001363535.2); c.639A>G, p.Gln213= (NM_001363536.2).
Identifiers: ClinVar variation 2712236 (VCV002712236.4), dbSNP rs146931647, ClinGen allele CA3444561.

ClinVar aggregate classification (germline): Likely benign. Review status: criteria provided, multiple submitters, no conflicts (2 of 4 stars). 2 submissions from 2 submitters: Likely benign (2). Last evaluated 2025-12-30.

Conditions:
HARS2-related disorder. Also called: HARS2-related condition.

Allele frequency attached by ClinVar (database versions not stated): gnomAD exomes 0.00001; ESP Exome Variant Server 0.00015; 1000 Genomes Project 30x 0.00016; TOPMed 0.00018; 1000 Genomes Project 0.00020.
gnomAD v4.1: 53 of 1,613,800 alleles (0.0033%); highest among the groups gnomAD compares: African/African-American, 0.061%; no homozygotes.

Submissions (2):

Labcorp Genetics (formerly Invitae), Labcorp
Classification: Likely benign. Last evaluated: 2025-12-30. Review status: criteria provided, single submitter. Criteria: Invitae Variant Classification Sherloc (09022015). Collection method: clinical testing. Allele origin: germline.

PreventionGenetics, part of Exact Sciences
Classification: Likely benign for HARS2-related condition. Last evaluated: 2025-01-19. Review status: criteria provided, single submitter. Criteria: ACMG Guidelines, 2015. Collection method: clinical testing. Allele origin: germline.
Comment: This variant is classified as likely benign based on ACMG/AMP sequence variant interpretation guidelines (Richards et al. 2015 PMID: 25741868, with internal and published modifications).